The following is an entry in ClinVar:

ClinVar aggregate classification (germline): Uncertain significance (1 of 4 stars; one submission).

Submission:

GeneDx
Classification: Uncertain significance. Last evaluated: 2023-04-07. Review status: criteria provided, single submitter. Criteria: GeneDx Variant Classification Process June 2021. Collection method: clinical testing. Allele origin: germline. Affected: yes.
Comment: Not observed at significant frequency in large population cohorts (gnomAD); In silico analysis supports that this missense variant does not alter protein structure/function; Has not been previously published as pathogenic or benign to our knowledge

NM_000827.4(GRIA1):c.703T>A (p.Phe235Ile)

Gene: GRIA1 (glutamate ionotropic receptor AMPA type subunit 1; plus strand). Cytogenetic location: 5q33.2.
Variant type: single nucleotide variant.
Coding change: c.703T>A on transcript NM_000827.4 (MANE Select); coding-DNA position 703, T replaced by A.
Protein change: p.Phe235Ile; replaces phenylalanine 235 with isoleucine.
Molecular consequence: missense variant. On other transcripts: non-coding transcript variant (2).
Genome position (GRCh38, 1-based): chr5:153,674,503, T>A. VCF-style: chr5-153674503-T-A. GRCh37 (hg19) VCF-style: chr5-153054063-T-A.
Other names: c.703T>A, p.Phe235Ile (NM_001114183.2, NM_001364165.2); c.463T>A, p.Phe155Ile (NM_001258019.2); c.418T>A, p.Phe140Ile (NM_001258020.2); c.733T>A, p.Phe245Ile (NM_001258021.2, NM_001258022.2); c.496T>A, p.Phe166Ile (NM_001258023.1, NM_001364167.2); c.730T>A, p.Phe244Ile (NM_001364166.2); short protein forms F140I, F155I, F166I, F235I, F244I, F245I.
Identifiers: ClinVar variation 3343035 (VCV003343035.1).